The following is an entry in ClinVar:

ClinVar aggregate classification (germline): Likely benign. Review status: criteria provided, multiple submitters, no conflicts (2 of 4 stars). 2 submissions from 2 submitters: Likely benign (2). Last evaluated 2025-08-01.

Conditions:
Perlman syndrome (PRLMNS). Identifiers: Orphanet 2849, MedGen C0796113, MONDO:0009965, OMIM 267000.

Allele frequency attached by ClinVar (database versions not stated): gnomAD 0.00001; gnomAD exomes 0.00001 and 0.00002; TOPMed 0.00002.
gnomAD v4.1: 10 of 1,612,472 alleles (0.00062%); highest among the groups gnomAD compares: Admixed American, 0.013%; no homozygotes.

Submissions (2):

CeGaT Center for Human Genetics Tuebingen
Classification: Likely benign. Last evaluated: 2025-08-01. Review status: criteria provided, single submitter. Criteria: CeGaT Center For Human Genetics Tuebingen Variant Classification Criteria Version 2. Collection method: clinical testing. Allele origin: germline. Affected: yes. Observed: 1 variant allele.
Comment: DIS3L2: BP4, BP7

Labcorp Genetics (formerly Invitae), Labcorp
Classification: Likely benign for Perlman syndrome. Last evaluated: 2023-05-27. Review status: criteria provided, single submitter. Criteria: Invitae Variant Classification Sherloc (09022015). Collection method: clinical testing. Allele origin: germline.

NM_152383.5(DIS3L2):c.1314A>G (p.Gln438=)

Gene: DIS3L2 (DIS3 like 3'-5' exoribonuclease 2; plus strand). Cytogenetic location: 2q37.1.
Variant type: single nucleotide variant.
Coding change: c.1314A>G on transcript NM_152383.5 (MANE Select); coding-DNA position 1314, A replaced by G.
Protein change: p.Gln438=; no amino-acid change (glutamine 438 retained).
Molecular consequence: synonymous variant. On other transcripts: non-coding transcript variant (2).
Genome position (GRCh38, 1-based): chr2:232,238,642, A>G. VCF-style: chr2-232238642-A-G. GRCh37 (hg19) VCF-style: chr2-233103352-A-G.
Other names: c.1314A>G, p.Gln438= (NM_001257281.2).
Identifiers: ClinVar variation 963461 (VCV000963461.15), dbSNP rs962928333, ClinGen allele CA67522300.